The following is an entry in ClinVar:

NM_001039.4(SCNN1G):c.436G>A (p.Val146Ile)

Gene: SCNN1G (sodium channel epithelial 1 subunit gamma; plus strand). Cytogenetic location: 16p12.2.
Variant type: single nucleotide variant.
Coding change: c.436G>A on transcript NM_001039.4 (MANE Select); coding-DNA position 436, G replaced by A.
Protein change: p.Val146Ile; replaces valine 146 with isoleucine.
Molecular consequence: missense variant.
Genome position (GRCh38, 1-based): chr16:23,189,489, G>A. VCF-style: chr16-23189489-G-A. GRCh37 (hg19) VCF-style: chr16-23200810-G-A.
Other names: short protein forms V146I.
Identifiers: ClinVar variation 2074030 (VCV002074030.6), dbSNP rs528336880, ClinGen allele CA7959576.
Genomic context (GRCh38, chr16:23,189,489, plus strand): 5'-AAGTCCCTGTATGGCTTTCCAGAGTCCCGGAAGCGCCGAGAGGCGGAGTCCTGGAACTCC[G>A]TCTCAGAGGGAAAGCAGCCTAGATTCTCCCACCGGATTCCGCTGCTGATCTTTGATCAGG-3'
Protein context (NP_001030.2, residues 136-156): KRREAESWNS[Val146Ile]SEGKQPRFSH

ClinVar aggregate classification (germline): Conflicting classifications of pathogenicity. Review status: criteria provided, conflicting classifications (1 of 4 stars). 3 submissions from 3 submitters: Uncertain significance (2); Likely benign (1). Last evaluated 2025-06-15.

Conditions:
Liddle syndrome 2. Identifiers: MedGen C4748251, MONDO:0020854, OMIM 618114.
Pseudohypoaldosteronism, type IB3, autosomal recessive (PHA1B3). Identifiers: MedGen C5774256, MONDO:0859318, OMIM 620126.
Bronchiectasis with or without elevated sweat chloride 3 (BESC3). Identifiers: Orphanet 60033, MedGen C2751324, MONDO:0013112, OMIM 613071.

Allele frequency attached by ClinVar (database versions not stated): ExAC 0.00002; gnomAD 0.00005; TOPMed 0.00005; 1000 Genomes Project 30x 0.00016; 1000 Genomes Project 0.00020.
gnomAD v4.1: 52 of 1,614,198 alleles (0.0032%); highest among the groups gnomAD compares: Middle Eastern, 0.033%; no homozygotes.

Submissions (3):

Labcorp Genetics (formerly Invitae), Labcorp
Classification: Uncertain significance. Last evaluated: 2025-06-15. Review status: criteria provided, single submitter. Criteria: Invitae Variant Classification Sherloc (09022015). Collection method: clinical testing. Allele origin: germline.
Comment: This sequence change replaces valine, which is neutral and non-polar, with isoleucine, which is neutral and non-polar, at codon 146 of the SCNN1G protein (p.Val146Ile). This variant is present in population databases (rs528336880, gnomAD 0.01%). This variant has not been reported in the literature in individuals affected with SCNN1G-related conditions. ClinVar contains an entry for this variant (Variation ID: 2074030). An algorithm developed to predict the effect of missense changes on protein structure and function outputs the following: PolyPhen-2: "Benign". The isoleucine amino acid residue is found in multiple mammalian species, which suggests that this missense change does not adversely affect protein function. In summary, the available evidence is currently insufficient to determine the role of this variant in disease. Therefore, it has been classified as a Variant of Uncertain Significance.

Blueprint Genetics
Classification: Likely benign. Last evaluated: 2024-06-13. Review status: criteria provided, single submitter. Criteria: ACMG Guidelines, 2015. Collection method: clinical testing. Allele origin: germline.

Fulgent Genetics
Classification: Uncertain significance for Bronchiectasis with or without elevated sweat chloride 3; Liddle syndrome 2; Pseudohypoaldosteronism, type IB3, autosomal recessive. Last evaluated: 2024-01-10. Review status: criteria provided, single submitter. Criteria: ACMG Guidelines, 2015. Collection method: clinical testing. Allele origin: germline.